The following is an entry in ClinVar:

NM_001267550.2(TTN):c.31847-12T>C

Gene: TTN (titin; minus strand). Cytogenetic location: 2q31.2.
Variant type: single nucleotide variant.
Coding change: c.31847-12T>C on transcript NM_001267550.2 (MANE Select); 12 bases into the intron before coding-DNA position 31847, T replaced by C.
Molecular consequence: intron variant.
Genome position (GRCh38, 1-based): chr2:178,689,607, A>G on the plus strand (T>C on the coding strand, the complement: TTN is on the minus strand). VCF-style: chr2-178689607-A-G. GRCh37 (hg19) VCF-style: chr2-179554334-A-G.
Other names: c.30896-12T>C (NM_001256850.1); c.13283-47290T>C (NM_003319.4); c.13859-47290T>C (NM_133437.4); c.13658-47290T>C (NM_133432.3); c.28115-12T>C (NM_133378.4).
Identifiers: ClinVar variation 506934 (VCV000506934.6), dbSNP rs371372951, ClinGen allele CA60988295.

ClinVar aggregate classification (germline): Likely benign. Review status: criteria provided, multiple submitters, no conflicts (2 of 4 stars). 2 submissions from 2 submitters: Likely benign (2). Last evaluated 2025-12-31.

Conditions:
Dilated cardiomyopathy 1G (CMD1G). Identifiers: Orphanet 154, MedGen C1858763, MONDO:0011400, OMIM 604145.
Autosomal recessive limb-girdle muscular dystrophy type 2J (LGMDR10). Also called: Limb-girdle muscular dystrophy, type 2J; MUSCULAR DYSTROPHY, LIMB-GIRDLE, AUTOSOMAL RECESSIVE 10. Identifiers: Orphanet 140922, MedGen C1837342, MONDO:0012127, OMIM 608807.

Allele frequency attached by ClinVar (database versions not stated): gnomAD 0.00004 and 0.00005; TOPMed 0.00006; ESP Exome Variant Server 0.00008.

Submissions (2):

Labcorp Genetics (formerly Invitae), Labcorp
Classification: Likely benign for Dilated cardiomyopathy 1G; Autosomal recessive limb-girdle muscular dystrophy type 2J. Last evaluated: 2025-12-31. Review status: criteria provided, single submitter. Criteria: Invitae Variant Classification Sherloc (09022015). Collection method: clinical testing. Allele origin: germline.

GeneDx
Classification: Likely benign. Last evaluated: 2017-01-19. Review status: criteria provided, single submitter. Criteria: GeneDx Variant Classification (06012015). Collection method: clinical testing. Allele origin: germline. Affected: yes.
Comment: This variant is considered likely benign or benign based on one or more of the following criteria: it is a conservative change, it occurs at a poorly conserved position in the protein, it is predicted to be benign by multiple in silico algorithms, and/or has population frequency not consistent with disease.